The following is an entry in ClinVar:

ClinVar aggregate classification (germline): Pathogenic (1 of 4 stars; one submission).

Conditions:
Facioscapulohumeral muscular dystrophy 2 (FSHD2). Also called: MUSCULAR DYSTROPHY, FACIOSCAPULOHUMERAL, TYPE 1B; FACIOSCAPULOHUMERAL MUSCULAR DYSTROPHY 2, DIGENIC; FSHD2, DIGENIC. Identifiers: Orphanet 269, MedGen C1834671, MONDO:0008031, OMIM 158901.

Submission:

Department of Human Genetics, University Hospital Bern, Inselspital
Classification: Pathogenic for Facioscapulohumeral muscular dystrophy 2. Last evaluated: 2026-04-09. Review status: criteria provided, single submitter. Criteria: ACMG Guidelines, 2015. Collection method: clinical testing. Allele origin: unknown. Inheritance: Autosomal dominant inheritance. Affected: yes. Observed: 1 variant allele, 1 heterozygote.
Comment: The variant leads to a premature stop codon and is expected to lead to nonsense-mediated mRNA decay (NMD). Loss-of-function variants in SMCHD1 are known to be pathogenic (PMID: 23143600). It is not present in gnomAD database (v4.1) and to our knowledge has never been reported in the literature.

Literature cited by the submitters: PubMed 23143600.

NM_015295.3(SMCHD1):c.2484del (p.Phe828fs)

Gene: SMCHD1 (structural maintenance of chromosomes flexible hinge domain containing 1; plus strand). Cytogenetic location: 18p11.32.
Variant type: Deletion.
Coding change: c.2484del on transcript NM_015295.3 (MANE Select); coding-DNA position 2484, one base deleted (T; older notation c.2484delT).
Protein change: p.Phe828fs; shifts the reading frame from phenylalanine 828.
Molecular consequence: frameshift variant.
Genome position (GRCh38, 1-based): chr18:2,722,544, T deleted; the last of 3 consecutive T bases (chr18:2,722,542-2,722,544); deleting any one gives the same sequence. VCF-style (leftmost placement, unchanged base first): chr18-2722541-AT-A. GRCh37 (hg19) VCF-style: chr18-2722539-AT-A.
Other names: short protein forms F828fs.
Identifiers: ClinVar variation 4820313 (VCV004820313.1).